The following is an entry in ClinVar:

ClinVar aggregate classification (germline): Conflicting classifications of pathogenicity. Review status: criteria provided, conflicting classifications (1 of 4 stars). 4 submissions from 4 submitters: Uncertain significance (3); Likely benign (1). Last evaluated 2026-06-15.

Conditions:
Brugada syndrome. Also called: Sudden unexpected nocturnal death syndrome; Sudden unexplained nocturnal death syndrome; Sudden Unexplained Death Syndrome; Sudden Unexplained Nocturnal Death Syndrome (SUNDS). Identifiers: Orphanet 130, MedGen C1142166, MONDO:0015263.
SCN10A-related disorder. Also called: SCN10A-related condition.
Episodic pain syndrome, familial, 2 (FEPS2). Identifiers: Orphanet 306577, MedGen C3809893, MONDO:0014246, OMIM 615551.
Cardiovascular phenotype. Identifiers: MedGen CN230736.

Allele frequency attached by ClinVar (database versions not stated): ExAC 0.00003; TOPMed 0.00009; ESP Exome Variant Server 0.00023.
gnomAD v4.1: 195 of 1,600,730 alleles (0.012%); highest among the groups gnomAD compares: Admixed American, 0.015%; no homozygotes.

Submissions (4):

PreventionGenetics, part of Exact Sciences
Classification: Uncertain significance for SCN10A-related condition. Last evaluated: 2026-06-15. Review status: criteria provided, single submitter. Criteria: ACMG Guidelines, 2015. Collection method: clinical testing. Allele origin: germline.
Comment: The SCN10A c.1489C>T variant is predicted to result in the amino acid substitution p.Arg497Cys. This variant has been reported in an individual with familial episodic pain syndrome; however, additional support for pathogenicity was not provided (Noguchi et al. 2024. PubMed ID: 38999942). This variant is reported in 0.018% of alleles in individuals of Latino descent in gnomAD. At this time, the clinical significance of this variant is uncertain due to the absence of conclusive functional and genetic evidence.

Labcorp Genetics (formerly Invitae), Labcorp
Classification: Uncertain significance for Brugada syndrome. Last evaluated: 2025-12-15. Review status: criteria provided, single submitter. Criteria: Invitae Variant Classification Sherloc (09022015). Collection method: clinical testing. Allele origin: germline.
Comment: This sequence change replaces arginine, which is basic and polar, with cysteine, which is neutral and slightly polar, at codon 497 of the SCN10A protein (p.Arg497Cys). This variant is present in population databases (rs370009920, gnomAD 0.02%). This missense change has been observed in individual(s) with familial episodic pain syndrome (PMID: 38999942). ClinVar contains an entry for this variant (Variation ID: 568664). Invitae Evidence Modeling of protein sequence and biophysical properties (such as structural, functional, and spatial information, amino acid conservation, physicochemical variation, residue mobility, and thermodynamic stability) indicates that this missense variant is not expected to disrupt SCN10A protein function with a negative predictive value of 80%. In summary, the available evidence is currently insufficient to determine the role of this variant in disease. Therefore, it has been classified as a Variant of Uncertain Significance.

Fulgent Genetics
Classification: Uncertain significance for Episodic pain syndrome, familial, 2. Last evaluated: 2021-10-20. Review status: criteria provided, single submitter. Criteria: ACMG Guidelines, 2015. Collection method: clinical testing. Allele origin: unknown.

Ambry Genetics
Classification: Likely benign for Cardiovascular phenotype. Last evaluated: 2021-06-18. Review status: criteria provided, single submitter. Criteria: Ambry Variant Classification Scheme 2023. Collection method: clinical testing. Allele origin: germline.

Literature cited by the submitters: PubMed 38999942 (cited by Labcorp Genetics (formerly Invitae), Labcorp).

NM_006514.4(SCN10A):c.1489C>T (p.Arg497Cys)

Gene: SCN10A (sodium voltage-gated channel alpha subunit 10; minus strand). Cytogenetic location: 3p22.2.
Variant type: single nucleotide variant.
Coding change: c.1489C>T on transcript NM_006514.4 (MANE Select); coding-DNA position 1489, C replaced by T.
Protein change: p.Arg497Cys; replaces arginine 497 with cysteine.
Molecular consequence: missense variant. On other transcripts: intron variant (1).
Genome position (GRCh38, 1-based): chr3:38,752,485, G>A on the plus strand (C>T on the coding strand, the complement: SCN10A is on the minus strand). VCF-style: chr3-38752485-G-A. GRCh37 (hg19) VCF-style: chr3-38793976-G-A.
Other names: c.1489C>T, p.Arg497Cys (NM_001293306.2); c.1462-2301C>T (NM_001293307.2); short protein forms R497C.
Identifiers: ClinVar variation 568664 (VCV000568664.10), dbSNP rs370009920, ClinGen allele CA2320836.